The following is an entry in ClinVar:

ClinVar aggregate classification (germline): Uncertain significance. Review status: criteria provided, multiple submitters, no conflicts (2 of 4 stars). 2 submissions from 2 submitters: Uncertain significance (2). Last evaluated 2024-12-09.

Conditions:
BMPR2-related disorder. Also called: BMPR2-related condition; BMPR2-related disorders.
Inborn genetic diseases. Identifiers: MedGen C0950123, MeSH D030342.

Allele frequency attached by ClinVar (database versions not stated): TOPMed 0.00001.

Submissions (2):

Ambry Genetics
Classification: Uncertain significance for Inborn genetic diseases. Last evaluated: 2024-12-09. Review status: criteria provided, single submitter. Criteria: Ambry Variant Classification Scheme 2023. Collection method: clinical testing. Allele origin: germline.
Comment: The p.E994D variant (also known as c.2982A>C), located in coding exon 13 of the BMPR2 gene, results from an A to C substitution at nucleotide position 2982. The glutamic acid at codon 994 is replaced by aspartic acid, an amino acid with highly similar properties. This amino acid position is conserved. In addition, this alteration is predicted to be tolerated by in silico analysis. Based on the available evidence, the clinical significance of this variant remains unclear.

PreventionGenetics, part of Exact Sciences
Classification: Uncertain significance for BMPR2-related condition. Last evaluated: 2023-07-09. Review status: criteria provided, single submitter. Criteria: ACMG Guidelines, 2015. Collection method: clinical testing. Allele origin: germline.
Comment: The BMPR2 c.2982A>C variant is predicted to result in the amino acid substitution p.Glu994Asp. To our knowledge, this variant has not been reported in the literature or in a large population database, indicating this variant is rare. At this time, the clinical significance of this variant is uncertain due to the absence of conclusive functional and genetic evidence.

NM_001204.7(BMPR2):c.2982A>C (p.Glu994Asp)

Gene: BMPR2 (bone morphogenetic protein receptor type 2; plus strand). Cytogenetic location: 2q33.2.
Variant type: single nucleotide variant.
Coding change: c.2982A>C on transcript NM_001204.7 (MANE Select); coding-DNA position 2982, A replaced by C.
Protein change: p.Glu994Asp; replaces glutamic acid 994 with aspartic acid.
Molecular consequence: missense variant.
Genome position (GRCh38, 1-based): chr2:202,559,811, A>C. VCF-style: chr2-202559811-A-C. GRCh37 (hg19) VCF-style: chr2-203424534-A-C.
Other names: short protein forms E994D.
Identifiers: ClinVar variation 2631789 (VCV002631789.2), dbSNP rs912262350, ClinGen allele CA64047603.
Genomic context (GRCh38, chr2:202,559,811, plus strand): 5'-TGTGAAAACTCCCTATTCTCTTAAGCGGTGGCGCCCCTCCACCTGGGTCATCTCCACTGA[A>C]TCGCTGGACTGTGAAGTCAACAATAATGGCAGTAACAGGGCAGTTCATTCCAAATCCAGC-3'
Protein context (NP_001195.2, residues 984-1004): WRPSTWVIST[Glu994Asp]SLDCEVNNNG